The following is an entry in ClinVar:

ClinVar aggregate classification (germline): Uncertain significance (1 of 4 stars; one submission).

Conditions:
Mild intellectual disability. Identifiers: MedGen C0026106, HP:0001256.

Submission:

Medical Genetics Lab, Policlinico S. Orsola.Malpighi
Classification: Uncertain significance for Mild intellectual disability. Last evaluated: 2018-09-27. Review status: criteria provided, single submitter. Criteria: ACMG CNV Guidelines, 2011. Collection method: clinical testing. Allele origin: inherited. Inheritance: Autosomal recessive inheritance. Affected: yes. Observed: 1 homozygote.
Comment: BTBD9 has not been currently associated to any monogenic disorder in humans, but it is expressed in brain and is a good candidate for neurodevelopmental disorders.

Single allele

Gene: BTBD9 (BTB domain containing 9; minus strand). Cytogenetic location: 6p21.2.
Variant type: Deletion.
Identifiers: ClinVar variation 562233 (VCV000562233.3).